The following is an entry in ClinVar:

ClinVar aggregate classification (germline): Uncertain significance. Review status: criteria provided, multiple submitters, no conflicts (2 of 4 stars). 5 submissions from 5 submitters: Uncertain significance (5). Last evaluated 2026-08-28.

Conditions:
PARN-related disorder. Also called: PARN-related disorders; PARN-related condition.
Pulmonary fibrosis and/or bone marrow failure, Telomere-related, 4. Also called: PULMONARY FIBROSIS AND/OR BONE MARROW FAILURE SYNDROME, TELOMERE-RELATED, 4. Identifiers: Orphanet 2032, MedGen C4225347, MONDO:0014612, OMIM 616371.
Dyskeratosis congenita, autosomal recessive 6 (DKCB6). Identifiers: MedGen C4225356, MONDO:0014600, OMIM 616353.
Inborn genetic diseases. Identifiers: MedGen C0950123, MeSH D030342.

Allele frequency attached by ClinVar (database versions not stated): ExAC 0.00003; gnomAD 0.00005 and 0.00006; gnomAD exomes 0.00006; TOPMed 0.00006.
gnomAD v4.1: 82 of 1,601,198 alleles (0.0051%); highest among the groups gnomAD compares: East Asian, 0.031%; no homozygotes.

Submissions (5):

PreventionGenetics, part of Exact Sciences
Classification: Uncertain significance for PARN-related condition. Last evaluated: 2026-08-28. Review status: criteria provided, single submitter. Criteria: ACMG Guidelines, 2015. Collection method: clinical testing. Allele origin: germline.
Comment: The PARN c.745C>T variant is predicted to result in the amino acid substitution p.Arg249Cys. This variant has been reported in an individual with chronic hypersensitivity pneumonitis (Table E4, Ley et al. 2019. PubMed ID: 31268371). This variant has also been reported along with other variants in different genes in an individual with autism and congenital insensitivity to pain with anhidrosis (Zhang et al. 2022. PubMed ID: 35277138). This variant is reported in 0.065% of alleles in individuals of East Asian descent in gnomAD. At this time, the clinical significance of this variant is uncertain due to the absence of conclusive functional and genetic evidence.

Labcorp Genetics (formerly Invitae), Labcorp
Classification: Uncertain significance for Dyskeratosis congenita, autosomal recessive 6; Pulmonary fibrosis and/or bone marrow failure, Telomere-related, 4. Last evaluated: 2025-09-09. Review status: criteria provided, single submitter. Criteria: Invitae Variant Classification Sherloc (09022015). Collection method: clinical testing. Allele origin: germline.
Comment: This sequence change replaces arginine, which is basic and polar, with cysteine, which is neutral and slightly polar, at codon 249 of the PARN protein (p.Arg249Cys). This variant is present in population databases (rs774170618, gnomAD 0.06%). This missense change has been observed in individual(s) with pneumonitis (PMID: 31268371). ClinVar contains an entry for this variant (Variation ID: 1444116). Invitae Evidence Modeling of protein sequence and biophysical properties (such as structural, functional, and spatial information, amino acid conservation, physicochemical variation, residue mobility, and thermodynamic stability) indicates that this missense variant is not expected to disrupt PARN protein function with a negative predictive value of 80%. In summary, the available evidence is currently insufficient to determine the role of this variant in disease. Therefore, it has been classified as a Variant of Uncertain Significance.

Genetic Services Laboratory, University of Chicago
Classification: Uncertain significance. Last evaluated: 2023-01-23. Review status: criteria provided, single submitter. Criteria: ACMG Guidelines, 2015. Collection method: clinical testing. Allele origin: germline. Affected: no.
Comment: This sequence change, c.745C>T, in exon 11 results in an amino acid change, p.Arg249Cys. This sequence change does not appear to have been previously described in individuals with PARN-related disorders. This sequence change has been described in the gnomAD database with a frequency of 0.06% in the East Asian subpopulation (dbSNP rs774170618). The p.Arg249Cys change affects a highly conserved amino acid residue located in a domain of the PARN protein that is known to be functional. In-silico pathogenicity prediction tools (SIFT, PolyPhen2, Align GVGD, REVEL) provide contradictory results for the p.Arg249Cys substitution. Due to insufficient evidence and the lack of functional studies, the clinical significance of the p.Arg249Cys change remains unknown at this time.

Blueprint Genetics
Classification: Uncertain significance. Last evaluated: 2022-06-27. Review status: criteria provided, single submitter. Criteria: ACMG Guidelines, 2015. Collection method: clinical testing. Allele origin: germline.

Ambry Genetics
Classification: Uncertain significance for Inborn genetic diseases. Last evaluated: 2021-10-17. Review status: criteria provided, single submitter. Criteria: Ambry Variant Classification Scheme 2023. Collection method: clinical testing. Allele origin: germline.

Literature cited by the submitters: PubMed 31268371 (cited by Labcorp Genetics (formerly Invitae), Labcorp).

NM_002582.4(PARN):c.745C>T (p.Arg249Cys)

Gene: PARN (poly(A)-specific ribonuclease; minus strand). Cytogenetic location: 16p13.12.
Variant type: single nucleotide variant.
Coding change: c.745C>T on transcript NM_002582.4 (MANE Select); coding-DNA position 745, C replaced by T.
Protein change: p.Arg249Cys; replaces arginine 249 with cysteine.
Molecular consequence: missense variant.
Genome position (GRCh38, 1-based): chr16:14,604,184, G>A on the plus strand (C>T on the coding strand, the complement: PARN is on the minus strand). VCF-style: chr16-14604184-G-A. GRCh37 (hg19) VCF-style: chr16-14698041-G-A.
Other names: c.745C>T (NM_002582.3); c.562C>T, p.Arg188Cys (NM_001134477.3); c.607C>T, p.Arg203Cys (NM_001242992.2); short protein forms R188C, R249C, R203C.
Identifiers: ClinVar variation 1444116 (VCV001444116.11), dbSNP rs774170618, ClinGen allele CA7912307.